The following is an entry in ClinVar:

ClinVar aggregate classification (germline): Uncertain significance (1 of 4 stars; one submission).

Conditions:
Glycogen storage disease IXb (GSD9B). Also called: GLYCOGENOSIS OF LIVER AND MUSCLE, AUTOSOMAL RECESSIVE; GSD IXb; PHOSPHORYLASE KINASE DEFICIENCY OF LIVER AND MUSCLE, AUTOSOMAL RECESSIVE. Identifiers: Orphanet 79240, MedGen C0543514, MONDO:0009868, OMIM 261750.

Submission:

Labcorp Genetics (formerly Invitae), Labcorp
Classification: Uncertain significance for Glycogen storage disease IXb. Last evaluated: 2022-08-09. Review status: criteria provided, single submitter. Criteria: Invitae Variant Classification Sherloc (09022015). Collection method: clinical testing. Allele origin: germline.
Comment: This sequence change replaces proline, which is neutral and non-polar, with arginine, which is basic and polar, at codon 938 of the PHKB protein (p.Pro938Arg). This variant is not present in population databases (gnomAD no frequency). This variant has not been reported in the literature in individuals affected with PHKB-related conditions. ClinVar contains an entry for this variant (Variation ID: 1368020). Algorithms developed to predict the effect of missense changes on protein structure and function (SIFT, PolyPhen-2, Align-GVGD) all suggest that this variant is likely to be disruptive. In summary, the available evidence is currently insufficient to determine the role of this variant in disease. Therefore, it has been classified as a Variant of Uncertain Significance.

NM_000293.3(PHKB):c.2813C>G (p.Pro938Arg)

Gene: PHKB (phosphorylase kinase regulatory subunit beta; plus strand). Cytogenetic location: 16q12.1.
Variant type: single nucleotide variant.
Coding change: c.2813C>G on transcript NM_000293.3 (MANE Select); coding-DNA position 2813, C replaced by G.
Protein change: p.Pro938Arg; replaces proline 938 with arginine.
Molecular consequence: missense variant.
Genome position (GRCh38, 1-based): chr16:47,693,425, C>G. VCF-style: chr16-47693425-C-G. GRCh37 (hg19) VCF-style: chr16-47727336-C-G.
Other names: c.2792C>G, p.Pro931Arg (NM_001031835.3); c.2813C>G, p.Pro938Arg (NM_001363837.1); short protein forms P931R, P938R.
Identifiers: ClinVar variation 1368020 (VCV001368020.6), dbSNP rs2142106902, ClinGen allele CA396100510.
Genomic context (GRCh38, chr16:47,693,425, plus strand): 5'-CCTTTTGTTACAGATGTTGGCTGAACAGGCGTCAGATCGATGGGTCTTTGAATAGAACTC[C>G]CACCGGGTTCTATGACCGAGTGTGGCAGATTCTGGAGCGCACGCCCAATGGGATCATTGT-3'
Protein context (NP_000284.1, residues 928-948): RQIDGSLNRT[Pro938Arg]TGFYDRVWQI